The following is an entry in ClinVar:

ClinVar aggregate classification (germline): Conflicting classifications of pathogenicity. Review status: criteria provided, conflicting classifications (1 of 4 stars). 4 submissions from 4 submitters: Uncertain significance (3); Benign (1). Last evaluated 2026-04-12.

Conditions:
Familial thoracic aortic aneurysm and aortic dissection (TAAD). Also called: Thoracic aortic aneurysms and dissections. Identifiers: Orphanet 91387, MedGen C4707243, MONDO:0019625.
Congenital contractural arachnodactyly (CCA). Also called: BEALS SYNDROME; Beals-Hecht syndrome; Arthrogryposis, distal, type 9. Identifiers: Orphanet 115, MedGen C0220668, MONDO:0007363, OMIM 121050.

Allele frequency attached by ClinVar (database versions not stated): ESP Exome Variant Server 0.00015; gnomAD exomes below 0.00001; gnomAD 0.00001; ExAC 0.00001; TOPMed 0.00005.
gnomAD v4.1: 1 of 1,613,988 alleles (0.000062%); highest among the groups gnomAD compares: African/African-American, 0.0013%; no homozygotes.

Submissions (4):

Ambry Genetics
Classification: Uncertain significance for Familial thoracic aortic aneurysm and aortic dissection. Last evaluated: 2026-04-12. Review status: criteria provided, single submitter. Criteria: Ambry Variant Classification Scheme 2023. Collection method: clinical testing. Allele origin: germline.
Comment: The p.F1070Y variant (also known as c.3209T>A), located in coding exon 24 of the FBN2 gene, results from a T to A substitution at nucleotide position 3209. The phenylalanine at codon 1070 is replaced by tyrosine, an amino acid with highly similar properties. This amino acid position is conserved. In addition, the in silico prediction for this alteration is inconclusive. Based on the available evidence, the clinical significance of this variant remains unclear.

Labcorp Genetics (formerly Invitae), Labcorp
Classification: Benign for Congenital contractural arachnodactyly. Last evaluated: 2022-09-01. Review status: criteria provided, single submitter. Criteria: Invitae Variant Classification Sherloc (09022015). Collection method: clinical testing. Allele origin: germline.

Mayo Clinic Laboratories, Mayo Clinic
Classification: Uncertain significance. Last evaluated: 2021-07-08. Review status: criteria provided, single submitter. Criteria: ACMG Guidelines, 2015. Collection method: clinical testing. Allele origin: germline.

GeneDx
Classification: Uncertain significance. Last evaluated: 2015-02-18. Review status: criteria provided, single submitter. Criteria: GeneDx Variant Classification (06012015). Collection method: clinical testing. Allele origin: germline. Affected: yes.
Comment: p.Phe1070Tyr (TTT>TAT): c.3209 T>A in exon 24 of the FBN2 gene (NM_001999.3) Mutations in the FBN2 gene have been reported in 27-75% of patients with autosomal dominant congenital contracturalarachnodactyly, which is associated with a risk of aortic root dilatation (Godfrey M et al., 2012). The F1070Y variant has not been published as a mutation, nor has it been reported as a benign polymorphism to our knowledge. The F1070Y variant was not observed with any significant frequency in approximately 6,500 individuals of European and African American ancestry in the NHLBI Exome Sequencing Project. The F1070Y variant is a non-conservative amino acid substitution, which is likely to impact secondary protein structure as these residues differ in polarity, charge, size and/or other properties. This substitution occurs at a position that is conserved across species. However, in silico analysis is inconsistent in its predictions as to whether or not the variant is damaging to the protein structure/function. No missense mutations in nearby residues have been reported, indicating this region of the protein may tolerate change. Therefore, based on the currently available information, it is unclear whether this variant is a pathogenic mutation or a rare benign variant. This variant was found in TAADV2-1

NM_001999.4(FBN2):c.3209T>A (p.Phe1070Tyr)

Genes: FBN2 (fibrillin 2; minus strand), LOC126807501 (BRD4-independent group 4 enhancer GRCh37_chr5:127680731-127681930; plus strand). Cytogenetic location: 5q23.3.
Variant type: single nucleotide variant.
Coding change: c.3209T>A on transcript NM_001999.4 (MANE Select); coding-DNA position 3209, T replaced by A.
Protein change: p.Phe1070Tyr; replaces phenylalanine 1070 with tyrosine.
Molecular consequence: missense variant.
Genome position (GRCh38, 1-based): chr5:128,345,365, A>T on the plus strand (T>A on the coding strand, the complement: FBN2 is on the minus strand). VCF-style: chr5-128345365-A-T. GRCh37 (hg19) VCF-style: chr5-127681057-A-T.
Other names: p.Phe1070Tyr; short protein forms F1070Y.
Identifiers: ClinVar variation 213301 (VCV000213301.11), dbSNP rs139118782, ClinGen allele CA320977.